The following is an entry in ClinVar:

NM_033337.3(CAV3):c.109G>A (p.Val37Ile)

Gene: CAV3 (caveolin 3; plus strand). Cytogenetic location: 3p25.3.
Variant type: single nucleotide variant.
Coding change: c.109G>A on transcript NM_033337.3 (MANE Select); coding-DNA position 109, G replaced by A.
Protein change: p.Val37Ile; replaces valine 37 with isoleucine.
Molecular consequence: missense variant.
Genome position (GRCh38, 1-based): chr3:8,733,985, G>A. VCF-style: chr3-8733985-G-A. GRCh37 (hg19) VCF-style: chr3-8775671-G-A.
Other names: c.109G>A, p.Val37Ile (NM_001234.5); short protein forms V37I.
Identifiers: ClinVar variation 2577175 (VCV002577175.1), dbSNP rs374523166, ClinGen allele CA351661634.
Genomic context (GRCh38, chr3:8,733,985, plus strand): 5'-ATCCACTGCAAGGAGATTGACCTGGTGAACCGAGACCCCAAGAACATTAACGAGGACATA[G>A]TCAAGGTAGGCTCTGCAGGCCTGCCTCGGCGGGCGGAGAGTGTCAGGTTTGCGAGACGTG-3'
Protein context (NP_203123.1, residues 27-47): RDPKNINEDI[Val37Ile]KVDFEDVIAE

ClinVar aggregate classification (germline): Uncertain significance (1 of 4 stars; one submission).

Submission:

Women's Health and Genetics/Laboratory Corporation of America, LabCorp
Classification: Uncertain significance. Last evaluated: 2023-07-05. Review status: criteria provided, single submitter. Criteria: LabCorp Variant Classification Summary - May 2015. Collection method: clinical testing. Allele origin: germline.
Comment: Variant summary: CAV3 c.109G>A (p.Val37Ile) results in a conservative amino acid change in the encoded protein sequence. Three of five in-silico tools predict a benign effect of the variant on protein function. The variant was absent in 250832 control chromosomes (gnomAD). The available data on variant occurrences in the general population are insufficient to allow any conclusion about variant significance. To our knowledge, no occurrence of c.109G>A in individuals affected with Hypertrophic Cardiomyopathy and no experimental evidence demonstrating its impact on protein function have been reported. No submitters have cited clinical-significance assessments for this variant to ClinVar after 2014. Based on the evidence outlined above, the variant was classified as uncertain significance.